The following is an entry in ClinVar:

ClinVar aggregate classification (germline): Uncertain significance (1 of 4 stars; one submission).

Conditions:
Progressive encephalopathy with leukodystrophy due to DECR deficiency. Identifiers: Orphanet 431361, MedGen C1857252, MONDO:0014464, OMIM 616034.

Submission:

Labcorp Genetics (formerly Invitae), Labcorp
Classification: Uncertain significance for Progressive encephalopathy with leukodystrophy due to DECR deficiency. Last evaluated: 2025-04-02. Review status: criteria provided, single submitter. Criteria: Invitae Variant Classification Sherloc (09022015). Collection method: clinical testing. Allele origin: germline.
Comment: This sequence change creates a premature translational stop signal (p.Arg150*) in the NADK2 gene. It is expected to result in an absent or disrupted protein product. However, the current clinical and genetic evidence is not sufficient to establish whether loss-of-function variants in NADK2 cause disease. This variant is not present in population databases (gnomAD no frequency). This variant has not been reported in the literature in individuals affected with NADK2-related conditions. ClinVar contains an entry for this variant (Variation ID: 1959452). In summary, the available evidence is currently insufficient to determine the role of this variant in disease. Therefore, it has been classified as a Variant of Uncertain Significance.

NM_001085411.3(NADK2):c.448C>T (p.Arg150Ter)

Gene: NADK2 (NAD kinase 2, mitochondrial; minus strand). Cytogenetic location: 5p13.2.
Variant type: single nucleotide variant.
Coding change: c.448C>T on transcript NM_001085411.3 (MANE Select); coding-DNA position 448, C replaced by T.
Protein change: p.Arg150Ter; replaces arginine 150 with a stop codon.
Molecular consequence: nonsense. On other transcripts: 5 prime UTR variant (3).
Genome position (GRCh38, 1-based): chr5:36,226,505, G>A on the plus strand (C>T on the coding strand, the complement: NADK2 is on the minus strand). VCF-style: chr5-36226505-G-A. GRCh37 (hg19) VCF-style: chr5-36226607-G-A.
Other names: c.-42C>T (NM_001287340.2, NM_001287341.2, NM_153013.5); short protein forms R150*.
Identifiers: ClinVar variation 1959452 (VCV001959452.5), dbSNP rs372853581, ClinGen allele CA359444351.